The following is an entry in ClinVar:

ClinVar aggregate classification (germline): Uncertain significance. Review status: criteria provided, multiple submitters, no conflicts (2 of 4 stars). 3 submissions from 3 submitters: Uncertain significance (3). Last evaluated 2024-10-10.

Conditions:
Hereditary cancer-predisposing syndrome. Also called: Hereditary neoplastic syndrome; Hereditary Cancer Syndrome; Neoplastic Syndromes, Hereditary; Tumor predisposition. Identifiers: Orphanet 140162, MedGen C0027672, MeSH D009386, MONDO:0015356.
Hereditary nonpolyposis colorectal neoplasms. Identifiers: MedGen C0009405, MeSH D003123.
PMS2-related disorder. Also called: PMS2-related condition.

Submissions (3):

PreventionGenetics, part of Exact Sciences
Classification: Uncertain significance for PMS2-related condition. Last evaluated: 2024-10-10. Review status: criteria provided, single submitter. Criteria: ACMG Guidelines, 2015. Collection method: clinical testing. Allele origin: germline.
Comment: The PMS2 c.1981G>C variant is predicted to result in the amino acid substitution p.Glu661Gln. To our knowledge, this variant has not been reported in the literature or in a large population database, indicating this variant is rare. This variant is reported as a variant of uncertain significance in ClinVar. At this time, the clinical significance of this variant is uncertain due to the absence of conclusive functional and genetic evidence.

Labcorp Genetics (formerly Invitae), Labcorp
Classification: Uncertain significance for Hereditary nonpolyposis colorectal neoplasms. Last evaluated: 2024-03-06. Review status: criteria provided, single submitter. Criteria: Invitae Variant Classification Sherloc (09022015). Collection method: clinical testing. Allele origin: germline.
Comment: This sequence change replaces glutamic acid, which is acidic and polar, with glutamine, which is neutral and polar, at codon 661 of the PMS2 protein (p.Glu661Gln). This variant is not present in population databases (gnomAD no frequency). This variant has not been reported in the literature in individuals affected with PMS2-related conditions. ClinVar contains an entry for this variant (Variation ID: 1962535). Advanced modeling of protein sequence and biophysical properties (such as structural, functional, and spatial information, amino acid conservation, physicochemical variation, residue mobility, and thermodynamic stability) performed at Invitae indicates that this missense variant is expected to disrupt PMS2 protein function with a positive predictive value of 80%. In summary, the available evidence is currently insufficient to determine the role of this variant in disease. Therefore, it has been classified as a Variant of Uncertain Significance.

Ambry Genetics
Classification: Uncertain significance for Hereditary cancer-predisposing syndrome. Last evaluated: 2024-02-28. Review status: criteria provided, single submitter. Criteria: Ambry Variant Classification Scheme 2023. Collection method: clinical testing. Allele origin: germline.
Comment: The p.E661Q variant (also known as c.1981G>C), located in coding exon 11 of the PMS2 gene, results from a G to C substitution at nucleotide position 1981. The glutamic acid at codon 661 is replaced by glutamine, an amino acid with highly similar properties. This amino acid position is highly conserved in available vertebrate species. In addition, the in silico prediction for this alteration is inconclusive. Based on the available evidence, the clinical significance of this alteration remains unclear.

NM_000535.7(PMS2):c.1981G>C (p.Glu661Gln)

Gene: PMS2 (PMS1 homolog 2, mismatch repair system component; minus strand). Cytogenetic location: 7p22.1.
Variant type: single nucleotide variant.
Coding change: c.1981G>C on transcript NM_000535.7 (MANE Select); coding-DNA position 1981, G replaced by C.
Protein change: p.Glu661Gln; replaces glutamic acid 661 with glutamine.
Molecular consequence: missense variant. On other transcripts: non-coding transcript variant (1).
Genome position (GRCh38, 1-based): chr7:5,986,784, C>G on the plus strand (G>C on the coding strand, the complement: PMS2 is on the minus strand). VCF-style: chr7-5986784-C-G. GRCh37 (hg19) VCF-style: chr7-6026415-C-G.
Other names: c.1576G>C, p.Glu526Gln (NM_001322009.2, NM_001406887.1, NM_001406888.1 and 17 more transcripts); c.1420G>C, p.Glu474Gln (NM_001322010.2, NM_001406906.1, NM_001406907.1); c.1048G>C, p.Glu350Gln (NM_001322011.2, NM_001322012.2); c.1408G>C, p.Glu470Gln (NM_001322013.2, NM_001406909.1); c.1981G>C, p.Glu661Gln (NM_001322014.2, NM_001406871.1, NM_001406872.1); c.1672G>C, p.Glu558Gln (NM_001322015.2, NM_001406879.1, NM_001406880.1 and 5 more transcripts); c.2167G>C, p.Glu723Gln (NM_001406866.1); c.2005G>C, p.Glu669Gln (NM_001406868.1); and 13 more; short protein forms E474Q, E553Q, E350Q, E470Q, E490Q, E539Q, E558Q, E609Q.
Identifiers: ClinVar variation 1962535 (VCV001962535.7), dbSNP rs778531080, ClinGen allele CA366738972.
Genomic context (GRCh38, chr7:5,986,784, plus strand): 5'-ATAAAAAGAGAAAAAGTAAAAAATTAAAACTTTACCTTATCTCTTTTCTTAGTTCATCTT[C>G]GGCTGCTTGATTTTCTCCAGGACAAATCTTTGCCCTAAACTTCCTGTAATTCTGTTCCCC-3'
Protein context (NP_000526.2, residues 651-671): KICPGENQAA[Glu661Gln]DELRKEISKT